The following is an entry in ClinVar:

ClinVar aggregate classification (germline): Uncertain significance (1 of 4 stars; one submission).

Allele frequency attached by ClinVar (database versions not stated): ExAC 0.00002.
gnomAD v4.1: 2 of 1,613,412 alleles (0.00012%); highest among the groups gnomAD compares: Admixed American, 0.0033%; no homozygotes.

Submission:

Labcorp Genetics (formerly Invitae), Labcorp
Classification: Uncertain significance. Last evaluated: 2022-04-10. Review status: criteria provided, single submitter. Criteria: Invitae Variant Classification Sherloc (09022015). Collection method: clinical testing. Allele origin: germline.
Comment: In summary, the available evidence is currently insufficient to determine the role of this variant in disease. Therefore, it has been classified as a Variant of Uncertain Significance. Algorithms developed to predict the effect of missense changes on protein structure and function are either unavailable or do not agree on the potential impact of this missense change (SIFT: "Tolerated"; PolyPhen-2: "Possibly Damaging"; Align-GVGD: "Class C0"). This variant has not been reported in the literature in individuals affected with KIAA0753-related conditions. This variant is present in population databases (rs762442043, gnomAD 0.006%). This sequence change replaces alanine, which is neutral and non-polar, with valine, which is neutral and non-polar, at codon 751 of the KIAA0753 protein (p.Ala751Val).

NM_014804.3(KIAA0753):c.2252C>T (p.Ala751Val)

Gene: KIAA0753 (KIAA0753; minus strand). Cytogenetic location: 17p13.1.
Variant type: single nucleotide variant.
Coding change: c.2252C>T on transcript NM_014804.3 (MANE Select); coding-DNA position 2252, C replaced by T.
Protein change: p.Ala751Val; replaces alanine 751 with valine.
Molecular consequence: missense variant. On other transcripts: non-coding transcript variant (3).
Genome position (GRCh38, 1-based): chr17:6,596,264, G>A on the plus strand (C>T on the coding strand, the complement: KIAA0753 is on the minus strand). VCF-style: chr17-6596264-G-A. GRCh37 (hg19) VCF-style: chr17-6499584-G-A.
Other names: c.1355C>T, p.Ala452Val (NM_001351225.2); short protein forms A452V, A751V.
Identifiers: ClinVar variation 1949307 (VCV001949307.3), dbSNP rs762442043, ClinGen allele CA8330209.